The following is an entry in ClinVar:

NM_006019.4(TCIRG1):c.1094A>G (p.Asn365Ser)

Gene: TCIRG1 (T cell immune regulator 1, ATPase H+ transporting V0 subunit a3; plus strand). Cytogenetic location: 11q13.2.
Variant type: single nucleotide variant.
Coding change: c.1094A>G on transcript NM_006019.4 (MANE Select); coding-DNA position 1094, A replaced by G.
Protein change: p.Asn365Ser; replaces asparagine 365 with serine.
Molecular consequence: missense variant.
Genome position (GRCh38, 1-based): chr11:68,045,031, A>G. VCF-style: chr11-68045031-A-G. GRCh37 (hg19) VCF-style: chr11-67812498-A-G.
Other names: c.200A>G, p.Asn67Ser (NM_001351059.2); c.446A>G, p.Asn149Ser (NM_006053.4); short protein forms N149S, N67S, N365S.
Identifiers: ClinVar variation 1484731 (VCV001484731.5), dbSNP rs1231788096, ClinGen allele CA381581285.

ClinVar aggregate classification (germline): Uncertain significance. Review status: criteria provided, multiple submitters, no conflicts (2 of 4 stars). 2 submissions from 2 submitters: Uncertain significance (2). Last evaluated 2025-08-28.

Allele frequency attached by ClinVar (database versions not stated): TOPMed below 0.00001; gnomAD exomes 0.00001 and 0.00002.

Submissions (2):

Labcorp Genetics (formerly Invitae), Labcorp
Classification: Uncertain significance. Last evaluated: 2025-08-28. Review status: criteria provided, single submitter. Criteria: Invitae Variant Classification Sherloc (09022015). Collection method: clinical testing. Allele origin: germline.
Comment: This sequence change replaces asparagine, which is neutral and polar, with serine, which is neutral and polar, at codon 365 of the TCIRG1 protein (p.Asn365Ser). This variant is present in population databases (no rsID available, gnomAD 0.002%). This variant has not been reported in the literature in individuals affected with TCIRG1-related conditions. ClinVar contains an entry for this variant (Variation ID: 1484731). Invitae Evidence Modeling of protein sequence and biophysical properties (such as structural, functional, and spatial information, amino acid conservation, physicochemical variation, residue mobility, and thermodynamic stability) indicates that this missense variant is not expected to disrupt TCIRG1 protein function with a negative predictive value of 80%. In summary, the available evidence is currently insufficient to determine the role of this variant in disease. Therefore, it has been classified as a Variant of Uncertain Significance.

Breakthrough Genomics
Classification: Uncertain significance. Review status: criteria provided, single submitter. Criteria: ACMG Guidelines, 2015. Collection method: not provided. Allele origin: germline. Inheritance: Autosomal recessive inheritance. Affected: yes.